The following is an entry in ClinVar:

ClinVar aggregate classification (germline): Uncertain significance (1 of 4 stars; one submission).

Allele frequency attached by ClinVar (database versions not stated): gnomAD exomes 0.00002 and 0.00005; ExAC 0.00003; gnomAD 0.00004; TOPMed 0.00004; ESP Exome Variant Server 0.00025.
gnomAD v4.1: 78 of 1,613,994 alleles (0.0048%); highest among the groups gnomAD compares: Non-Finnish European, 0.0061%; no homozygotes.

Submission:

Labcorp Genetics (formerly Invitae), Labcorp
Classification: Uncertain significance. Last evaluated: 2022-10-17. Review status: criteria provided, single submitter. Criteria: Invitae Variant Classification Sherloc (09022015). Collection method: clinical testing. Allele origin: germline.
Comment: This sequence change replaces arginine, which is basic and polar, with tryptophan, which is neutral and slightly polar, at codon 1639 of the MYO5B protein (p.Arg1639Trp). The frequency data for this variant in the population databases is considered unreliable, as metrics indicate poor data quality at this position in the gnomAD database. This variant has not been reported in the literature in individuals affected with MYO5B-related conditions. ClinVar contains an entry for this variant (Variation ID: 1444321). Advanced modeling of protein sequence and biophysical properties (such as structural, functional, and spatial information, amino acid conservation, physicochemical variation, residue mobility, and thermodynamic stability) performed at Invitae indicates that this missense variant is expected to disrupt MYO5B protein function. In summary, the available evidence is currently insufficient to determine the role of this variant in disease. Therefore, it has been classified as a Variant of Uncertain Significance.

NM_001080467.3(MYO5B):c.4915C>T (p.Arg1639Trp)

Genes: MYO5B (myosin VB; minus strand), SNHG22 (small nucleolar RNA host gene 22; plus strand). Cytogenetic location: 18q21.1.
Variant type: single nucleotide variant.
Coding change: c.4915C>T on transcript NM_001080467.3 (MANE Select); coding-DNA position 4915, C replaced by T.
Protein change: p.Arg1639Trp; replaces arginine 1639 with tryptophan.
Molecular consequence: missense variant.
Genome position (GRCh38, 1-based): chr18:49,837,740, G>A on the plus strand (C>T on the coding strand, the complement: MYO5B is on the minus strand). VCF-style: chr18-49837740-G-A. GRCh37 (hg19) VCF-style: chr18-47364110-G-A.
Other names: short protein forms R1639W.
Identifiers: ClinVar variation 1444321 (VCV001444321.6), dbSNP rs375780015, ClinGen allele CA8960190.